The following is an entry in ClinVar:

NM_000352.6(ABCC8):c.3650+9C>A

Gene: ABCC8 (ATP binding cassette subfamily C member 8; minus strand). Cytogenetic location: 11p15.1.
Variant type: single nucleotide variant.
Coding change: c.3650+9C>A on transcript NM_000352.6 (MANE Select); 9 bases into the intron after coding-DNA position 3650, C replaced by A.
Molecular consequence: intron variant.
Genome position (GRCh38, 1-based): chr11:17,402,652, G>T on the plus strand (C>A on the coding strand, the complement: ABCC8 is on the minus strand). VCF-style: chr11-17402652-G-T. GRCh37 (hg19) VCF-style: chr11-17424199-G-T.
Other names: c.3647+9C>A (NM_001351297.2); c.3650+9C>A (NM_001351296.2); c.3716+9C>A (NM_001351295.2); c.3653+9C>A (NM_001287174.3).
Identifiers: ClinVar variation 795528 (VCV000795528.9), dbSNP rs1591730796, ClinGen allele CA915947970.

ClinVar aggregate classification (germline): Conflicting classifications of pathogenicity. Review status: criteria provided, conflicting classifications (1 of 4 stars). 3 submissions from 2 submitters: Uncertain significance (2); Likely benign (1). Last evaluated 2023-06-23.

Conditions:
Transitory neonatal diabetes mellitus. Also called: Transient neonatal diabetes mellitus. Identifiers: MedGen C0342273, MONDO:0020525, HP:0008255.
Maturity-onset diabetes of the young (MODY). Also called: Maturity onset diabetes mellitus in young. Identifiers: Orphanet 552, MedGen C0342276, MONDO:0018911, HP:0004904.

Submissions (3):

Labcorp Genetics (formerly Invitae), Labcorp
Classification: Likely benign. Last evaluated: 2023-06-23. Review status: criteria provided, single submitter. Criteria: Invitae Variant Classification Sherloc (09022015). Collection method: clinical testing. Allele origin: germline.

Clinical Genomics, Uppaluri K&H Personalized Medicine Clinic
Classification: Uncertain significance for Transitory neonatal diabetes mellitus. Review status: criteria provided, single submitter. Criteria: K & H Uppaluri Personalized Medicine Clinic Variant Classification & Assertion Criteria_Updated V.1. Collection method: research. Allele origin: somatic. Inheritance: Somatic mutation.
Comment: Mutations in ABCC8 gene are associated with both neonatal diabetes mellitus as well as MODY. Patients with this mutation may have a better response to sulfonylureas. However, no sufficient evidence is found to ascertain the role of this particular variant (rs1591730796) in neonatal diabetes yet.

Clinical Genomics, Uppaluri K&H Personalized Medicine Clinic
Classification: Uncertain significance for Maturity-onset diabetes of the young. Review status: criteria provided, single submitter. Criteria: K & H Uppaluri Personalized Medicine Clinic Variant Classification & Assertion Criteria_Updated V.1. Collection method: research. Allele origin: somatic. Inheritance: Somatic mutation.
Comment: Mutations in ABCC8 gene are associated with both neonatal diabetes mellitus as well as MODY. Patients with this mutation may have a better response to sulfonylureas. However, no sufficient evidence is found to ascertain the role of this particular variant (rs1591730796) in MODY yet.

Literature cited by the submitters: PubMed 16885549 (cited by Clinical Genomics, Uppaluri K&H Personalized Medicine Clinic); PubMed 21989597 (cited by Clinical Genomics, Uppaluri K&H Personalized Medicine Clinic); PubMed 27538677 (cited by Clinical Genomics, Uppaluri K&H Personalized Medicine Clinic); PubMed 18981553 (cited by Clinical Genomics, Uppaluri K&H Personalized Medicine Clinic); PubMed 32027066 (cited by Clinical Genomics, Uppaluri K&H Personalized Medicine Clinic); PubMed 16613899 (cited by Clinical Genomics, Uppaluri K&H Personalized Medicine Clinic); PubMed 18025408 (cited by Clinical Genomics, Uppaluri K&H Personalized Medicine Clinic); PubMed 32792356 (cited by Clinical Genomics, Uppaluri K&H Personalized Medicine Clinic).